The following is an entry in ClinVar:

NM_001379291.1(BRD4):c.2919_2969del (p.Gln973_Gln989del)

Gene: BRD4 (bromodomain containing 4; minus strand). Cytogenetic location: 19p13.12.
Variant type: Deletion.
Coding change: c.2919_2969del on transcript NM_001379291.1 (MANE Select); coding-DNA positions 2919 to 2969, 51 bases deleted.
Protein change: p.Gln973_Gln989del.
Molecular consequence: inframe deletion.
Genome position (GRCh38, 1-based): chr19:15,243,100-15,243,150, 51 bases deleted. GRCh37 (hg19): chr19:15,353,920-15,353,970.
Other names: c.2919_2969del, p.Gln973_Gln989del (NM_058243.3).
Identifiers: ClinVar variation 2054021 (VCV002054021.6), dbSNP rs2512711139, ClinGen allele CA993915697.

ClinVar aggregate classification (germline): Uncertain significance. Review status: criteria provided, multiple submitters, no conflicts (2 of 4 stars). 2 submissions from 2 submitters: Uncertain significance (2). Last evaluated 2026-02-25.

Conditions:
Syndromic intellectual disability. Also called: Intellectual disability syndrome. Identifiers: Orphanet 183763, MedGen C5680525, MONDO:0000508.

Submissions (2):

Dasa
Classification: Uncertain significance for Syndromic intellectual disability. Last evaluated: 2026-02-25. Review status: criteria provided, single submitter. Criteria: DASA Assertion Criteria. Collection method: clinical testing. Allele origin: germline.
Comment: NM_001379291.1(BRD4):c.2919_2969del (p.Gln973_Gln989del) is an in-frame deletion predicted to remove amino acids from glutamine at protein position 973 through glutamine at protein position 989 without shifting the reading frame. This variant is rare in population databases. The currently available literature and clinical evidence are not sufficient to establish a definitive association between this variant and the reported condition. Therefore, this variant is classified as a variant of uncertain significance.

Labcorp Genetics (formerly Invitae), Labcorp
Classification: Uncertain significance. Last evaluated: 2023-07-07. Review status: criteria provided, single submitter. Criteria: Invitae Variant Classification Sherloc (09022015). Collection method: clinical testing. Allele origin: germline.
Comment: This variant, c.2919_2969del, results in the deletion of 17 amino acid(s) of the BRD4 protein (p.Gln973_Gln989del), but otherwise preserves the integrity of the reading frame. In summary, the available evidence is currently insufficient to determine the role of this variant in disease. Therefore, it has been classified as a Variant of Uncertain Significance. Experimental studies and prediction algorithms are not available or were not evaluated, and the functional significance of this variant is currently unknown. ClinVar contains an entry for this variant (Variation ID: 2054021). This variant has not been reported in the literature in individuals affected with BRD4-related conditions. This variant is not present in population databases (gnomAD no frequency).